The following is an entry in ClinVar:

NM_001184.4(ATR):c.5969C>T (p.Pro1990Leu)

Gene: ATR (ATR checkpoint kinase; minus strand). Cytogenetic location: 3q23.
Variant type: single nucleotide variant.
Coding change: c.5969C>T on transcript NM_001184.4 (MANE Select); coding-DNA position 5969, C replaced by T.
Protein change: p.Pro1990Leu; replaces proline 1990 with leucine.
Molecular consequence: missense variant.
Genome position (GRCh38, 1-based): chr3:142,493,241, G>A on the plus strand (C>T on the coding strand, the complement: ATR is on the minus strand). VCF-style: chr3-142493241-G-A. GRCh37 (hg19) VCF-style: chr3-142212083-G-A.
Other names: c.5777C>T, p.Pro1926Leu (NM_001354579.2); short protein forms P1990L, P1926L.
Identifiers: ClinVar variation 1750764 (VCV001750764.2), dbSNP rs2031397723, ClinGen allele CA354811627.

ClinVar aggregate classification (germline): Uncertain significance (1 of 4 stars; one submission).

Conditions:
Inborn genetic diseases. Identifiers: MedGen C0950123, MeSH D030342.

Allele frequency attached by ClinVar (database versions not stated): gnomAD exomes below 0.00001; TOPMed below 0.00001.
gnomAD v4.1: 1 of 1,613,702 alleles (0.000062%); highest among the groups gnomAD compares: Non-Finnish European, 0.000085%; no homozygotes.

Submission:

Ambry Genetics
Classification: Uncertain significance for Inborn genetic diseases. Last evaluated: 2022-06-15. Review status: criteria provided, single submitter. Criteria: Ambry Variant Classification Scheme 2023. Collection method: clinical testing. Allele origin: germline.
Comment: The p.P1990L variant (also known as c.5969C>T), located in coding exon 35 of the ATR gene, results from a C to T substitution at nucleotide position 5969. The proline at codon 1990 is replaced by leucine, an amino acid with similar properties. This amino acid position is conserved. In addition, this alteration is predicted to be tolerated by in silico analysis. Since supporting evidence is limited at this time, the clinical significance of this alteration remains unclear.